The following is an entry in ClinVar:

NM_001005242.3(PKP2):c.775G>T (p.Glu259Ter)

Gene: PKP2 (plakophilin 2; minus strand). Cytogenetic location: 12p11.21.
Variant type: single nucleotide variant.
Coding change: c.775G>T on transcript NM_001005242.3 (MANE Select); coding-DNA position 775, G replaced by T.
Protein change: p.Glu259Ter; replaces glutamic acid 259 with a stop codon.
Molecular consequence: nonsense.
Genome position (GRCh38, 1-based): chr12:32,878,105, C>A on the plus strand (G>T on the coding strand, the complement: PKP2 is on the minus strand). VCF-style: chr12-32878105-C-A. GRCh37 (hg19) VCF-style: chr12-33031039-C-A.
Other names: c.775G>T, p.Glu259Ter (NM_004572.4); short protein forms E259*.
Identifiers: ClinVar variation 464432 (VCV000464432.9), dbSNP rs1425855043, ClinGen allele CA384362581.

ClinVar aggregate classification (germline): Pathogenic. Review status: criteria provided, multiple submitters, no conflicts (2 of 4 stars). 2 submissions from 2 submitters: Pathogenic (2). Last evaluated 2025-07-23.

Conditions:
Cardiomyopathy (CMYO). Also called: Cardiomyopathies. Identifiers: Orphanet 167848, MedGen C0878544, MONDO:0004994, HP:0001638. Inheritance: Various modes of inheritance.
Arrhythmogenic right ventricular dysplasia 9 (ARVD9). Also called: Arrhythmogenic Right Ventricular Dysplasia/Cardiomyopathy 9; ARRHYTHMOGENIC RIGHT VENTRICULAR DYSPLASIA, FAMILIAL, 9. Identifiers: MedGen C1836906, MONDO:0012180, OMIM 609040.

Allele frequency attached by ClinVar (database versions not stated): gnomAD exomes below 0.00001.
gnomAD v4.1: 2 of 1,614,264 alleles (0.00012%); highest among the groups gnomAD compares: Non-Finnish European, 0.00017%; no homozygotes.

Submissions (2):

Labcorp Genetics (formerly Invitae), Labcorp
Classification: Pathogenic for Arrhythmogenic right ventricular dysplasia 9. Last evaluated: 2025-07-23. Review status: criteria provided, single submitter. Criteria: Invitae Variant Classification Sherloc (09022015). Collection method: clinical testing. Allele origin: germline.
Comment: This sequence change creates a premature translational stop signal (p.Glu259*) in the PKP2 gene. It is expected to result in an absent or disrupted protein product. Loss-of-function variants in PKP2 are known to be pathogenic (PMID: 15489853, 17041889, 23911551). This variant is not present in population databases (gnomAD no frequency). This premature translational stop signal has been observed in individual(s) with arrhythmogenic right ventricular cardiomyopathy (PMID: 21606390). ClinVar contains an entry for this variant (Variation ID: 464432). For these reasons, this variant has been classified as Pathogenic.

CHEO Genetics Diagnostic Laboratory, Children's Hospital of Eastern Ontario
Classification: Pathogenic for Cardiomyopathy. Last evaluated: 2020-01-13. Review status: criteria provided, single submitter. Criteria: ACMG Guidelines, 2015. Collection method: clinical testing. Allele origin: germline. Study: Canadian Open Genetics Repository.

Literature cited by the submitters: PubMed 15489853 (cited by Labcorp Genetics (formerly Invitae), Labcorp); PubMed 17041889 (cited by Labcorp Genetics (formerly Invitae), Labcorp); PubMed 23911551 (cited by Labcorp Genetics (formerly Invitae), Labcorp); PubMed 21606390 (cited by Labcorp Genetics (formerly Invitae), Labcorp).